The following is an entry in ClinVar:

ClinVar aggregate classification (germline): Uncertain significance (1 of 4 stars; one submission).

Submission:

GeneDx
Classification: Uncertain significance. Last evaluated: 2025-02-19. Review status: criteria provided, single submitter. Criteria: GeneDx Variant Classification Process June 2021. Collection method: clinical testing. Allele origin: germline. Affected: yes.
Comment: Not observed at significant frequency in large population cohorts (gnomAD); In silico analysis supports that this missense variant has a deleterious effect on protein structure/function; Has not been previously published as pathogenic or benign to our knowledge

NM_001320.7(CSNK2B):c.62T>C (p.Phe21Ser)

Gene: CSNK2B (casein kinase 2 beta; plus strand). Cytogenetic location: 6p21.33.
Variant type: single nucleotide variant.
Coding change: c.62T>C on transcript NM_001320.7 (MANE Select); coding-DNA position 62, T replaced by C.
Protein change: p.Phe21Ser; replaces phenylalanine 21 with serine.
Molecular consequence: missense variant.
Genome position (GRCh38, 1-based): chr6:31,666,893, T>C. VCF-style: chr6-31666893-T-C. GRCh37 (hg19) VCF-style: chr6-31634670-T-C.
Other names: c.62T>C, p.Phe21Ser (NM_001282385.2); short protein forms F21S.
Identifiers: ClinVar variation 4076762 (VCV004076762.1).